The following is an entry in ClinVar:

ClinVar aggregate classification (germline): Pathogenic (1 of 4 stars; one submission).

Conditions:
Menkes kinky-hair syndrome (MNK). Also called: Classic Menkes Disease; Copper transport disease; Menkes Disease. Identifiers: Orphanet 565, MedGen C0022716, MONDO:0010651, OMIM 309400.
X-linked distal spinal muscular atrophy type 3. Also called: ATP7A-Related Distal Motor Neuropathy; SPINAL MUSCULAR ATROPHY, DISTAL, X-LINKED RECESSIVE; NEURONOPATHY, DISTAL HEREDITARY MOTOR, X-LINKED; NEUROPATHY, DISTAL HEREDITARY MOTOR, X-LINKED. Identifiers: Orphanet 139557, MedGen C1845359, MONDO:0010338, OMIM 300489.
Cutis laxa, X-linked (OHS). Also called: EDS IX; Occipital horn syndrome. Identifiers: Orphanet 198, MedGen C0268353, MONDO:0010572, OMIM 304150.

Submission:

Labcorp Genetics (formerly Invitae), Labcorp
Classification: Pathogenic for X-linked distal spinal muscular atrophy type 3; Cutis laxa, X-linked; Menkes kinky-hair syndrome. Last evaluated: 2023-12-17. Review status: criteria provided, single submitter. Criteria: Invitae Variant Classification Sherloc (09022015). Collection method: clinical testing. Allele origin: unknown.
Comment: This variant is a gross deletion of the genomic region encompassing exon(s) 10-12 of the ATP7A gene. This deletion is out-of-frame, and is expected to create a premature termination codon and result in an absent or disrupted protein product. Loss-of-function variants in ATP7A are known to be pathogenic (PMID: 11241493, 20652413). This variant has not been reported in the literature in individuals affected with ATP7A-related conditions. For these reasons, this variant has been classified as Pathogenic.

Literature cited by the submitters: PubMed 11241493; PubMed 20652413.

NC_000023.10:g.(?_77268356)_(77271398_?)del

Gene: ATP7A (ATPase copper transporting alpha; plus strand). Cytogenetic location: Xq21.1.
Variant type: Deletion.
Identifiers: ClinVar variation 3244717 (VCV003244717.1).